The following is an entry in ClinVar:

NM_001378778.1(MPDZ):c.4328C>T (p.Pro1443Leu)

Gene: MPDZ (multiple PDZ domain crumbs cell polarity complex component; minus strand). Cytogenetic location: 9p23.
Variant type: single nucleotide variant.
Coding change: c.4328C>T on transcript NM_001378778.1 (MANE Select); coding-DNA position 4328, C replaced by T.
Protein change: p.Pro1443Leu; replaces proline 1443 with leucine.
Molecular consequence: missense variant.
Genome position (GRCh38, 1-based): chr9:13,136,147, G>A on the plus strand (C>T on the coding strand, the complement: MPDZ is on the minus strand). VCF-style: chr9-13136147-G-A. GRCh37 (hg19) VCF-style: chr9-13136146-G-A.
Other names: c.4229C>T, p.Pro1410Leu (NM_001261406.2, NM_001261407.2, NM_001375416.1 and 3 more transcripts); c.4328C>T, p.Pro1443Leu (NM_001330637.2, NM_001375413.1, NM_003829.5); c.4118C>T, p.Pro1373Leu (NM_001375420.1, NM_001375421.1, NM_001375422.1 and 4 more transcripts); c.3920C>T, p.Pro1307Leu (NM_001375427.1); c.4328C>T (NM_003829.3); short protein forms P1443L, P1307L, P1373L, P1410L.
Identifiers: ClinVar variation 1405768 (VCV001405768.7), dbSNP rs576313246, ClinGen allele CA4986758.

ClinVar aggregate classification (germline): Uncertain significance. Review status: criteria provided, multiple submitters, no conflicts (2 of 4 stars). 2 submissions from 2 submitters: Uncertain significance (2). Last evaluated 2025-08-09.

Conditions:
Inborn genetic diseases. Identifiers: MedGen C0950123, MeSH D030342.

Allele frequency attached by ClinVar (database versions not stated): ExAC 0.00005; gnomAD 0.00012 and 0.00013; TOPMed 0.00012; 1000 Genomes Project 30x 0.00047; 1000 Genomes Project 0.00060.
gnomAD v4.1: 35 of 1,612,658 alleles (0.0022%); highest among the groups gnomAD compares: African/African-American, 0.043%; 1 homozygote.

Submissions (2):

Ambry Genetics
Classification: Uncertain significance for Inborn genetic diseases. Last evaluated: 2025-08-09. Review status: criteria provided, single submitter. Criteria: Ambry Variant Classification Scheme 2023. Collection method: clinical testing. Allele origin: germline.

Labcorp Genetics (formerly Invitae), Labcorp
Classification: Uncertain significance. Last evaluated: 2025-01-06. Review status: criteria provided, single submitter. Criteria: Invitae Variant Classification Sherloc (09022015). Collection method: clinical testing. Allele origin: germline.
Comment: This sequence change replaces proline, which is neutral and non-polar, with leucine, which is neutral and non-polar, at codon 1443 of the MPDZ protein (p.Pro1443Leu). This variant is present in population databases (rs576313246, gnomAD 0.07%), including at least one homozygous and/or hemizygous individual. This variant has not been reported in the literature in individuals affected with MPDZ-related conditions. ClinVar contains an entry for this variant (Variation ID: 1405768). An algorithm developed to predict the effect of missense changes on protein structure and function (PolyPhen-2) suggests that this variant¬†is likely to be tolerated. In summary, the available evidence is currently insufficient to determine the role of this variant in disease. Therefore, it has been classified as a Variant of Uncertain Significance.